The following is an entry in ClinVar:

ClinVar aggregate classification (germline): Uncertain significance (1 of 4 stars; one submission).

Conditions:
Inborn genetic diseases. Identifiers: MedGen C0950123, MeSH D030342.

Submission:

Ambry Genetics
Classification: Uncertain significance for Inborn genetic diseases. Last evaluated: 2021-09-07. Review status: criteria provided, single submitter. Criteria: Ambry Variant Classification Scheme 2023. Collection method: clinical testing. Allele origin: germline.
Comment: The p.P829R variant (also known as c.2486C>G), located in coding exon 15 of the CDH2 gene, results from a C to G substitution at nucleotide position 2486. The proline at codon 829 is replaced by arginine, an amino acid with dissimilar properties. This amino acid position is conserved. In addition, this alteration is predicted to be deleterious by in silico analysis. Since supporting evidence is limited at this time, the clinical significance of this alteration remains unclear.

NM_001792.5(CDH2):c.2486C>G (p.Pro829Arg)

Genes: CDH2-AS1 (CDH2 antisense RNA 1; plus strand), CDH2 (cadherin 2; minus strand). Cytogenetic location: 18q12.1.
Variant type: single nucleotide variant.
Coding change: c.2486C>G on transcript NM_001792.5 (MANE Select); coding-DNA position 2486, C replaced by G.
Protein change: p.Pro829Arg; replaces proline 829 with arginine.
Molecular consequence: missense variant.
Genome position (GRCh38, 1-based): chr18:27,963,385, G>C on the plus strand (C>G on the coding strand, the complement: CDH2 is on the minus strand). VCF-style: chr18-27963385-G-C. GRCh37 (hg19) VCF-style: chr18-25543349-G-C.
Other names: c.2393C>G, p.Pro798Arg (NM_001308176.2); short protein forms P798R, P829R.
Identifiers: ClinVar variation 1791988 (VCV001791988.2), dbSNP rs1302337851, ClinGen allele CA402103847.